The following is an entry in ClinVar:

NM_019032.6(ADAMTSL4):c.416A>G (p.Glu139Gly)

Genes: ADAMTSL4 (ADAMTS like 4; plus strand), ADAMTSL4-AS2 (ADAMTSL4 antisense RNA 2; minus strand). Cytogenetic location: 1q21.2.
Variant type: single nucleotide variant.
Coding change: c.416A>G on transcript NM_019032.6 (MANE Select); coding-DNA position 416, A replaced by G.
Protein change: p.Glu139Gly; replaces glutamic acid 139 with glycine.
Molecular consequence: missense variant.
Genome position (GRCh38, 1-based): chr1:150,553,235, A>G. VCF-style: chr1-150553235-A-G. GRCh37 (hg19) VCF-style: chr1-150525711-A-G.
Other names: c.416A>G, p.Glu139Gly (NM_001288607.2, NM_001288608.2, NM_001378596.1 and 1 more transcripts); short protein forms E139G.
Identifiers: ClinVar variation 1946588 (VCV001946588.2), dbSNP rs1309211160, ClinGen allele CA342300479.

ClinVar aggregate classification (germline): Uncertain significance (1 of 4 stars; one submission).

Allele frequency attached by ClinVar (database versions not stated): TOPMed below 0.00001.

Submission:

Labcorp Genetics (formerly Invitae), Labcorp
Classification: Uncertain significance. Last evaluated: 2022-08-18. Review status: criteria provided, single submitter. Criteria: Invitae Variant Classification Sherloc (09022015). Collection method: clinical testing. Allele origin: germline.
Comment: This sequence change replaces glutamic acid, which is acidic and polar, with glycine, which is neutral and non-polar, at codon 139 of the ADAMTSL4 protein (p.Glu139Gly). This variant is not present in population databases (gnomAD no frequency). This variant has not been reported in the literature in individuals affected with ADAMTSL4-related conditions. Algorithms developed to predict the effect of missense changes on protein structure and function are either unavailable or do not agree on the potential impact of this missense change (SIFT: "Deleterious"; PolyPhen-2: "Possibly Damaging"; Align-GVGD: "Class C15"). In summary, the available evidence is currently insufficient to determine the role of this variant in disease. Therefore, it has been classified as a Variant of Uncertain Significance.